The following is an entry in ClinVar:

ClinVar aggregate classification (germline): Uncertain significance (1 of 4 stars; one submission).

Conditions:
Charcot-Marie-Tooth disease type 2. Also called: Charcot-Marie-Tooth type 2. Identifiers: Orphanet 64746, MedGen C0270914, MONDO:0018993.

gnomAD v4.1: 2 of 1,613,886 alleles (0.00012%); highest among the groups gnomAD compares: Non-Finnish European, 0.00017%; no homozygotes.

Submission:

Labcorp Genetics (formerly Invitae), Labcorp
Classification: Uncertain significance for Charcot-Marie-Tooth disease type 2. Last evaluated: 2024-04-16. Review status: criteria provided, single submitter. Criteria: Invitae Variant Classification Sherloc (09022015). Collection method: clinical testing. Allele origin: germline.
Comment: This sequence change replaces proline, which is neutral and non-polar, with alanine, which is neutral and non-polar, at codon 330 of the BSCL2 protein (p.Pro330Ala). This variant is not present in population databases (gnomAD no frequency). This variant has not been reported in the literature in individuals affected with BSCL2-related conditions. Algorithms developed to predict the effect of missense changes on protein structure and function output the following: SIFT: "Not Available"; PolyPhen-2: "Benign"; Align-GVGD: "Not Available". The alanine amino acid residue is found in multiple mammalian species, which suggests that this missense change does not adversely affect protein function. In summary, the available evidence is currently insufficient to determine the role of this variant in disease. Therefore, it has been classified as a Variant of Uncertain Significance.

NM_001122955.4(BSCL2):c.1180C>G (p.Pro394Ala)

Genes: BSCL2 (BSCL2 lipid droplet biogenesis associated, seipin; minus strand), HNRNPUL2-BSCL2 (HNRNPUL2-BSCL2 readthrough (NMD candidate); minus strand). Cytogenetic location: 11q12.3.
Variant type: single nucleotide variant.
Coding change: c.1180C>G on transcript NM_001122955.4 (MANE Select); coding-DNA position 1180, C replaced by G.
Protein change: p.Pro394Ala; replaces proline 394 with alanine.
Molecular consequence: missense variant. On other transcripts: non-coding transcript variant (1).
Genome position (GRCh38, 1-based): chr11:62,690,666, G>C on the plus strand (C>G on the coding strand, the complement: BSCL2 is on the minus strand). VCF-style: chr11-62690666-G-C. GRCh37 (hg19) VCF-style: chr11-62458138-G-C.
Other names: c.846C>G, p.Asn282Lys (NM_001130702.2); c.1186C>G, p.Pro396Ala (NM_001386027.1); c.1180C>G, p.Pro394Ala (NM_001386028.1); c.988C>G, p.Pro330Ala (NM_032667.6); short protein forms P396A, N282K, P330A, P394A.
Identifiers: ClinVar variation 3716593 (VCV003716593.2).